The following is an entry in ClinVar:

NM_005476.7(GNE):c.22C>A (p.Arg8=)

Gene: GNE (glucosamine (UDP-N-acetyl)-2-epimerase/N-acetylmannosamine kinase; minus strand). Cytogenetic location: 9p13.3.
Variant type: single nucleotide variant.
Coding change: c.22C>A on transcript NM_005476.7 (MANE Select); coding-DNA position 22, C replaced by A.
Protein change: p.Arg8=; no amino-acid change (arginine 8 retained).
Molecular consequence: synonymous variant. On other transcripts: intron variant (3).
Genome position (GRCh38, 1-based): chr9:36,249,334, G>T on the plus strand (C>A on the coding strand, the complement: GNE is on the minus strand). VCF-style: chr9-36249334-G-T. GRCh37 (hg19) VCF-style: chr9-36249331-G-T.
Other names: c.115C>A, p.Arg39= (NM_001128227.3); c.22C>A, p.Arg8= (NM_001190383.3, NM_001374797.1); c.-13-2852C>A (NM_001190388.2, NM_001190384.3, NM_001374798.1).
Identifiers: ClinVar variation 3339546 (VCV003339546.1).

ClinVar aggregate classification (germline): Likely benign (1 of 4 stars; one submission).

gnomAD v4.1: 2 of 1,613,820 alleles (0.00012%); highest among the groups gnomAD compares: East Asian, 0.0022%; no homozygotes.

Submission:

Women's Health and Genetics/Laboratory Corporation of America, LabCorp
Classification: Likely benign. Last evaluated: 2024-06-13. Review status: criteria provided, single submitter. Criteria: LabCorp Variant Classification Summary - May 2015. Collection method: clinical testing. Allele origin: germline.
Comment: Variant summary: GNE c.115C>A alters a non-conserved nucleotide resulting in a synonymous change. Consensus agreement among computation tools predict no significant impact on normal splicing. However, these predictions have yet to be confirmed by functional studies. The variant allele was found at a frequency of 4e-06 in 251278 control chromosomes. The available data on variant occurrences in the general population are insufficient to allow any conclusion about variant significance. To our knowledge, no occurrence of c.115C>A in individuals affected with Inclusion Body Myopathy 2 and no experimental evidence demonstrating its impact on protein function have been reported. No submitters have cited clinical-significance assessments for this variant to ClinVar. Based on the evidence outlined above, the variant was classified as likely benign.